The following is an entry in ClinVar:

ClinVar aggregate classification (germline): Uncertain significance (1 of 4 stars; one submission).

gnomAD v4.1: 157 of 1,608,198 alleles (0.0098%); highest among the groups gnomAD compares: Middle Eastern, 0.017%; no homozygotes.

Submission:

Ambry Genetics
Classification: Uncertain significance. Last evaluated: 2024-08-23. Review status: criteria provided, single submitter. Criteria: Ambry Variant Classification Scheme 2023. Collection method: clinical testing. Allele origin: germline.
Comment: The p.R159C variant (also known as c.475C>T), located in coding exon 5 of the RAD51B gene, results from a C to T substitution at nucleotide position 475. The arginine at codon 159 is replaced by cysteine, an amino acid with highly dissimilar properties. This amino acid position is highly conserved in available vertebrate species. In addition, this alteration is predicted to be deleterious by in silico analysis. The evidence for this gene-disease relationship is limited; therefore, the clinical significance of this alteration is unclear.

NM_133510.4(RAD51B):c.475C>T (p.Arg159Cys)

Gene: RAD51B (RAD51 paralog B; plus strand). Cytogenetic location: 14q24.1.
Variant type: single nucleotide variant.
Coding change: c.475C>T on transcript NM_133510.4 (MANE Select); coding-DNA position 475, C replaced by T.
Protein change: p.Arg159Cys; replaces arginine 159 with cysteine.
Molecular consequence: missense variant.
Genome position (GRCh38, 1-based): chr14:67,885,891, C>T. VCF-style: chr14-67885891-C-T. GRCh37 (hg19) VCF-style: chr14-68352608-C-T.
Other names: c.475C>T, p.Arg159Cys (NM_001321809.2, NM_001321810.2, NM_001321812.1 and 6 more transcripts); c.361C>T, p.Arg121Cys (NM_001321815.1); c.118C>T, p.Arg40Cys (NM_001321817.2); short protein forms R159C, R40C, R121C.
Identifiers: ClinVar variation 3429606 (VCV003429606.1).